The following is an entry in ClinVar:

ClinVar aggregate classification (germline): Uncertain significance (1 of 4 stars; one submission).

Conditions:
Hereditary spastic paraplegia 30. Identifiers: Orphanet 101010, MedGen C5235139, MONDO:0012476.
Neuropathy, hereditary sensory, type 2C. Also called: Hereditary sensory and autonomic neuropathy type IIC; KIF1A-Related HSAN2 (HSAN2C). Identifiers: Orphanet 970, MedGen C3280168, MONDO:0013634, OMIM 614213.
Intellectual disability, autosomal dominant 9 (NESCAVS). Also called: NESCAV SYNDROME; KIF1A-Related Neurodevelopmental Disorder. Identifiers: Orphanet 662367, MedGen C5393830, MONDO:0013656, OMIM 614255.

Allele frequency attached by ClinVar (database versions not stated): TOPMed below 0.00001.

Submission:

Labcorp Genetics (formerly Invitae), Labcorp
Classification: Uncertain significance for Hereditary spastic paraplegia 30; Neuropathy, hereditary sensory, type 2C; Intellectual disability, autosomal dominant 9. Last evaluated: 2022-12-30. Review status: criteria provided, single submitter. Criteria: Invitae Variant Classification Sherloc (09022015). Collection method: clinical testing. Allele origin: germline.
Comment: In summary, the available evidence is currently insufficient to determine the role of this variant in disease. Therefore, it has been classified as a Variant of Uncertain Significance. Advanced modeling of protein sequence and biophysical properties (such as structural, functional, and spatial information, amino acid conservation, physicochemical variation, residue mobility, and thermodynamic stability) performed at Invitae indicates that this missense variant is expected to disrupt KIF1A protein function. ClinVar contains an entry for this variant (Variation ID: 1434305). This variant has not been reported in the literature in individuals affected with KIF1A-related conditions. This variant is not present in population databases (gnomAD no frequency). This sequence change replaces isoleucine, which is neutral and non-polar, with asparagine, which is neutral and polar, at codon 119 of the KIF1A protein (p.Ile119Asn).

NM_001244008.2(KIF1A):c.356T>A (p.Ile119Asn)

Gene: KIF1A (kinesin family member 1A; minus strand). Cytogenetic location: 2q37.3.
Variant type: single nucleotide variant.
Coding change: c.356T>A on transcript NM_001244008.2 (MANE Select); coding-DNA position 356, T replaced by A.
Protein change: p.Ile119Asn; replaces isoleucine 119 with asparagine.
Molecular consequence: missense variant.
Genome position (GRCh38, 1-based): chr2:240,788,058, A>T on the plus strand (T>A on the coding strand, the complement: KIF1A is on the minus strand). VCF-style: chr2-240788058-A-T. GRCh37 (hg19) VCF-style: chr2-241727475-A-T.
Other names: c.356T>A, p.Ile119Asn (NM_001320705.2, NM_001330289.2, NM_001330290.2 and 20 more transcripts); short protein forms I119N.
Identifiers: ClinVar variation 1434305 (VCV001434305.8), dbSNP rs1482769652, ClinGen allele CA351309962.